The following is an entry in ClinVar:

NM_174936.4(PCSK9):c.652A>G (p.Arg218Gly)

Gene: PCSK9 (proprotein convertase subtilisin/kexin type 9; plus strand). Cytogenetic location: 1p32.3.
Variant type: single nucleotide variant.
Coding change: c.652A>G on transcript NM_174936.4 (MANE Select); coding-DNA position 652, A replaced by G.
Protein change: p.Arg218Gly; replaces arginine 218 with glycine.
Molecular consequence: missense variant.
Genome position (GRCh38, 1-based): chr1:55,052,406, A>G. VCF-style: chr1-55052406-A-G. GRCh37 (hg19) VCF-style: chr1-55518079-A-G.
Other names: c.775A>G, p.Arg259Gly (NM_001407240.1); c.652A>G, p.Arg218Gly (NM_001407241.1, NM_001407242.1, NM_001407244.1 and 1 more transcripts); c.595A>G, p.Arg199Gly (NM_001407243.1); c.460A>G, p.Arg154Gly (NM_001407245.1); c.277A>G, p.Arg93Gly (NM_001407246.1); short protein forms R218G, R199G, R259G, R93G, R154G.
Identifiers: ClinVar variation 1524079 (VCV001524079.13), dbSNP rs1278078294, ClinGen allele CA340473642.

ClinVar aggregate classification (germline): Conflicting classifications of pathogenicity. Review status: criteria provided, conflicting classifications (1 of 4 stars). 2 submissions from 2 submitters: Likely pathogenic (1); Uncertain significance (1). Last evaluated 2024-02-22.

Conditions:
Hypercholesterolemia, autosomal dominant, 3 (FHCL3). Also called: PCSK9-Related Familial Hypercholesterolemia, Autosomal Dominant; Familial Hypercholesterolemia, Autosomal Dominant, 3; Familial hypercholesterolemia 3. Identifiers: MedGen C1863551, MONDO:0011369, OMIM 603776.

Allele frequency attached by ClinVar (database versions not stated): gnomAD exomes below 0.00001; TOPMed 0.00001.
gnomAD v4.1: 3 of 1,613,770 alleles (0.00019%); highest among the groups gnomAD compares: African/African-American, 0.0027%; no homozygotes.

Submissions (2):

Labcorp Genetics (formerly Invitae), Labcorp
Classification: Likely pathogenic for Hypercholesterolemia, autosomal dominant, 3. Last evaluated: 2024-02-22. Review status: criteria provided, single submitter. Criteria: Invitae Variant Classification Sherloc (09022015). Collection method: clinical testing. Allele origin: germline.
Comment: This sequence change replaces arginine, which is basic and polar, with glycine, which is neutral and non-polar, at codon 218 of the PCSK9 protein (p.Arg218Gly). This variant is not present in population databases (gnomAD no frequency). This missense change has been observed in individual(s) with clinical features of familial hypercholesterolemia (PMID: 35913489; Invitae). ClinVar contains an entry for this variant (Variation ID: 1524079). Advanced modeling of protein sequence and biophysical properties (such as structural, functional, and spatial information, amino acid conservation, physicochemical variation, residue mobility, and thermodynamic stability) performed at Invitae indicates that this missense variant is expected to disrupt PCSK9 protein function with a positive predictive value of 95%. This variant disrupts the p.Arg218 amino acid residue in PCSK9. Other variant(s) that disrupt this residue have been determined to be pathogenic (PMID: 16211558, 16912035, 18039650, 21147780). This suggests that this residue is clinically significant, and that variants that disrupt this residue are likely to be disease-causing. In summary, the currently available evidence indicates that the variant is pathogenic, but additional data are needed to prove that conclusively. Therefore, this variant has been classified as Likely Pathogenic.

All of Us Research Program, National Institutes of Health
Classification: Uncertain significance for Hypercholesterolemia, autosomal dominant, 3. Last evaluated: 2024-02-05. Review status: criteria provided, single submitter. Criteria: ACMG Guidelines, 2015. Collection method: clinical testing. Allele origin: germline. Inheritance: Autosomal dominant inheritance. Observed: 1 variant allele, 1 heterozygote.
Comment: This missense variant replaces arginine with glycine at codon 218 of the PCSK9 protein. Computational prediction tools indicate that this variant's impact on protein structure and function is inconclusive. To our knowledge, functional studies have not been reported for this variant. This variant has not been reported in individuals affected with PCSK9-related disorders in the literature. This variant has not been identified in the general population by the Genome Aggregation Database (gnomAD). The available evidence is insufficient to determine the role of this variant in disease conclusively. Therefore, this variant is classified as a Variant of Uncertain Significance.

This study involves interpretation of variants in research participants for the purpose of population health screening. Participant phenotype was not available at the time of variant classification. Additional details can be found in publication PMID: 35346344, PMCID: PMC8962531

Literature cited by the submitters: PubMed 35913489 (cited by Labcorp Genetics (formerly Invitae), Labcorp); PubMed 16211558 (cited by Labcorp Genetics (formerly Invitae), Labcorp); PubMed 16912035 (cited by Labcorp Genetics (formerly Invitae), Labcorp); PubMed 18039650 (cited by Labcorp Genetics (formerly Invitae), Labcorp); PubMed 21147780 (cited by Labcorp Genetics (formerly Invitae), Labcorp).